The following is an entry in ClinVar:

ClinVar aggregate classification (germline): Uncertain significance (1 of 4 stars; one submission).

Submission:

Labcorp Genetics (formerly Invitae), Labcorp
Classification: Uncertain significance. Last evaluated: 2024-03-05. Review status: criteria provided, single submitter. Criteria: Invitae Variant Classification Sherloc (09022015). Collection method: clinical testing. Allele origin: germline.
Comment: This variant occurs in a non-coding region of the NAA35 gene. It does not change the encoded amino acid sequence of the NAA35 protein. The frequency data for this variant in the population databases is considered unreliable, as metrics indicate poor data quality at this position in the gnomAD database. This variant has not been reported in the literature in individuals affected with NAA35-related conditions. Experimental studies and prediction algorithms are not available or were not evaluated, and the functional significance of this variant is currently unknown. In summary, the available evidence is currently insufficient to determine the role of this variant in disease. Therefore, it has been classified as a Variant of Uncertain Significance.

NM_024635.4(NAA35):c.2177GA[3] (p.Ter726=)

Gene: NAA35 (N-alpha-acetyltransferase 35, NatC auxiliary subunit; plus strand). Cytogenetic location: 9q21.33.
Variant type: Microsatellite.
Coding change: c.2177GA[3] on transcript NM_024635.4 (MANE Select); three copies in a row of the 2-base unit GA starting at c.2177; the reference has four copies in a row; one copy, 2 bases deleted.
Protein change: p.Ter726=.
Molecular consequence: no sequence alteration.
Genome position (GRCh38, 1-based): chr9:86,021,965-86,021,966, GA deleted; deleting any 2 consecutive bases within chr9:86,021,959-86,021,966 gives the same sequence; the position shown is the placement nearest the transcript's 3' end. VCF-style (leftmost placement, unchanged base first): chr9-86021958-TGA-T. GRCh37 (hg19) VCF-style: chr9-88636873-TGA-T.
Other names: c.2177GA[3], p.Ter726= (NM_001321881.2, NM_001321882.2).
Identifiers: ClinVar variation 3678768 (VCV003678768.2).